The following is an entry in ClinVar:

ClinVar aggregate classification (germline): Likely pathogenic (1 of 4 stars; one submission).

Submission:

GeneDx
Classification: Likely pathogenic. Last evaluated: 2024-10-17. Review status: criteria provided, single submitter. Criteria: GeneDx Variant Classification Process June 2021. Collection method: clinical testing. Allele origin: germline. Affected: yes.
Comment: Frameshift variant predicted to result in protein truncation or nonsense mediated decay in a gene for which loss of function is a known mechanism of disease; Not observed at significant frequency in large population cohorts (gnomAD); Has not been previously published as pathogenic or benign to our knowledge

NM_003919.3(SGCE):c.1046_1047del (p.Arg349fs)

Genes: CASD1 (CAS1 domain containing 1; plus strand), SGCE (sarcoglycan epsilon; minus strand). Cytogenetic location: 7q21.3.
Variant type: Microsatellite.
Coding change: c.1046_1047del on transcript NM_003919.3 (MANE Select); coding-DNA positions 1046 to 1047, 2 bases deleted (GA; older notation c.1046_1047delGA).
Protein change: p.Arg349fs; shifts the reading frame from arginine 349.
Molecular consequence: frameshift variant. On other transcripts: intron variant (6).
Genome position (GRCh38, 1-based): chr7:94,599,714-94,599,715, TC deleted on the plus strand (GA on the coding strand, the reverse complement: SGCE is on the minus strand); deleting any 2 consecutive bases within chr7:94,599,714-94,599,718 gives the same sequence; the c. name uses the placement nearest the transcript's 3' end. VCF-style (leftmost placement, unchanged base first): chr7-94599713-TTC-T. GRCh37 (hg19) VCF-style: chr7-94229025-TTC-T.
Other names: c.1046_1047del, p.Arg349fs (NM_001099401.2); c.923_924del, p.Arg308fs (NM_001301139.2); c.1154_1155del, p.Arg385fs (NM_001346713.2); c.959_960del, p.Arg320fs (NM_001346719.2); c.773_774del, p.Arg258fs (NM_001346720.2); c.915-752_915-751del (NM_001362809.2); c.1038-752_1038-751del (NM_001346717.2, NM_001099400.2); c.1146-752_1146-751del (NM_001346715.2); and 2 more; short protein forms R349fs, R320fs, R385fs, R258fs, R308fs.
Identifiers: ClinVar variation 3781052 (VCV003781052.1).